The following is an entry in ClinVar:

NM_024548.4(CEP97):c.2117C>G (p.Ser706Cys)

Gene: CEP97 (centrosomal protein 97; plus strand). Cytogenetic location: 3q12.3.
Variant type: single nucleotide variant.
Coding change: c.2117C>G on transcript NM_024548.4 (MANE Select); coding-DNA position 2117, C replaced by G.
Protein change: p.Ser706Cys; replaces serine 706 with cysteine.
Molecular consequence: missense variant.
Genome position (GRCh38, 1-based): chr3:101,765,070, C>G. VCF-style: chr3-101765070-C-G. GRCh37 (hg19) VCF-style: chr3-101483914-C-G.
Other names: c.1940C>G, p.Ser647Cys (NM_001303401.2); c.2015C>G, p.Ser672Cys (NM_001410784.1); c.1838C>G, p.Ser613Cys (NM_001410785.1); short protein forms S613C, S647C, S672C, S706C.
Identifiers: ClinVar variation 4807026 (VCV004807026.1).

ClinVar aggregate classification (germline): Uncertain significance (1 of 4 stars; one submission).

Submission:

Labcorp Genetics (formerly Invitae), Labcorp
Classification: Uncertain significance. Last evaluated: 2025-05-18. Review status: criteria provided, single submitter. Criteria: Invitae Variant Classification Sherloc (09022015). Collection method: clinical testing. Allele origin: germline.
Comment: This sequence change replaces serine, which is neutral and polar, with cysteine, which is neutral and slightly polar, at codon 706 of the CEP97 protein (p.Ser706Cys). This variant is not present in population databases (gnomAD no frequency). This variant has not been reported in the literature in individuals affected with CEP97-related conditions. Invitae Evidence Modeling of protein sequence and biophysical properties (such as structural, functional, and spatial information, amino acid conservation, physicochemical variation, residue mobility, and thermodynamic stability) indicates that this missense variant is not expected to disrupt CEP97 protein function with a negative predictive value of 80%. In summary, the available evidence is currently insufficient to determine the role of this variant in disease. Therefore, it has been classified as a Variant of Uncertain Significance.